The following is an entry in ClinVar:

NM_016213.5(TRIP4):c.10_21dup (p.Val7_Ser8insAlaGlyAlaVal)

Gene: TRIP4 (thyroid hormone receptor interactor 4; plus strand). Cytogenetic location: 15q22.31.
Variant type: Duplication.
Coding change: c.10_21dup on transcript NM_016213.5 (MANE Select); coding-DNA positions 10 to 21, 12 bases duplicated (GCTGGGGCGGTG).
Protein change: p.Val7_Ser8insAlaGlyAlaVal.
Molecular consequence: inframe insertion, initiator codon variant. On other transcripts: 5 prime UTR variant (1), non-coding transcript variant (1).
Genome position (GRCh38, 1-based): chr15:64,387,873-64,387,884, GCTGGGGCGGTG duplicated; duplicating any 12 consecutive bases within chr15:64,387,866-64,387,884 gives the same sequence; the c. name uses the placement nearest the transcript's 3' end. VCF-style (leftmost placement, unchanged base first): chr15-64387865-T-TGGCGGTGGCTGG. GRCh37 (hg19) VCF-style: chr15-64680064-T-TGGCGGTGGCTGG.
Other names: c.-765_-754dup (NM_001321924.2).
Identifiers: ClinVar variation 3008305 (VCV003008305.3), dbSNP rs1566969496, ClinGen allele CA618777096.

ClinVar aggregate classification (germline): Uncertain significance (1 of 4 stars; one submission).

Submission:

Labcorp Genetics (formerly Invitae), Labcorp
Classification: Uncertain significance. Last evaluated: 2023-01-01. Review status: criteria provided, single submitter. Criteria: Invitae Variant Classification Sherloc (09022015). Collection method: clinical testing. Allele origin: germline.
Comment: This variant, c.10_21dup, results in the insertion of 4 amino acid(s) of the TRIP4 protein (p.Ala4_Val7dup), but otherwise preserves the integrity of the reading frame. In summary, the available evidence is currently insufficient to determine the role of this variant in disease. Therefore, it has been classified as a Variant of Uncertain Significance. This variant has not been reported in the literature in individuals affected with TRIP4-related conditions. This variant is present in population databases (no rsID available, gnomAD 0.01%).